The following is an entry in ClinVar:

ClinVar aggregate classification (germline): Uncertain significance (1 of 4 stars; one submission).

Conditions:
Giant axonal neuropathy 1 (GAN1). Also called: GIANT AXONAL NEUROPATHY 1, AUTOSOMAL RECESSIVE; GAN-Related Neurodegeneration. Identifiers: Orphanet 643, MedGen C1850386, MONDO:0009749, OMIM 256850.

Submission:

Labcorp Genetics (formerly Invitae), Labcorp
Classification: Uncertain significance for Giant axonal neuropathy 1. Last evaluated: 2022-02-04. Review status: criteria provided, single submitter. Criteria: Invitae Variant Classification Sherloc (09022015). Collection method: clinical testing. Allele origin: germline.
Comment: In summary, the available evidence is currently insufficient to determine the role of this variant in disease. Therefore, it has been classified as a Variant of Uncertain Significance. This sequence change replaces threonine, which is neutral and polar, with isoleucine, which is neutral and non-polar, at codon 57 of the GAN protein (p.Thr57Ile). This variant is not present in population databases (gnomAD no frequency). This variant has not been reported in the literature in individuals affected with GAN-related conditions. Algorithms developed to predict the effect of missense changes on protein structure and function are either unavailable or do not agree on the potential impact of this missense change (SIFT: "Deleterious"; PolyPhen-2: "Benign"; Align-GVGD: "Class C15").

NM_022041.4(GAN):c.170C>T (p.Thr57Ile)

Gene: GAN (gigaxonin; plus strand). Cytogenetic location: 16q23.2.
Variant type: single nucleotide variant.
Coding change: c.170C>T on transcript NM_022041.4 (MANE Select); coding-DNA position 170, C replaced by T.
Protein change: p.Thr57Ile; replaces threonine 57 with isoleucine.
Molecular consequence: missense variant. On other transcripts: intron variant (1).
Genome position (GRCh38, 1-based): chr16:81,351,585, C>T. VCF-style: chr16-81351585-C-T. GRCh37 (hg19) VCF-style: chr16-81385190-C-T.
Other names: c.-357-2820C>T (NM_001377486.1); short protein forms T57I.
Identifiers: ClinVar variation 1445496 (VCV001445496.8), dbSNP rs2150683797, ClinGen allele CA396865162.